The following is an entry in ClinVar:

NM_001105206.3(LAMA4):c.4827C>G (p.Asn1609Lys)

Gene: LAMA4 (laminin subunit alpha 4; minus strand). Cytogenetic location: 6q21.
Variant type: single nucleotide variant.
Coding change: c.4827C>G on transcript NM_001105206.3 (MANE Select); coding-DNA position 4827, C replaced by G.
Protein change: p.Asn1609Lys; replaces asparagine 1609 with lysine.
Molecular consequence: missense variant.
Genome position (GRCh38, 1-based): chr6:112,117,893, G>C on the plus strand (C>G on the coding strand, the complement: LAMA4 is on the minus strand). VCF-style: chr6-112117893-G-C. GRCh37 (hg19) VCF-style: chr6-112439096-G-C.
Other names: c.4806C>G, p.Asn1602Lys (NM_001105207.3, NM_002290.5); short protein forms N1609K, N1602K.
Identifiers: ClinVar variation 1743228 (VCV001743228.9), dbSNP rs371027685, ClinGen allele CA3964889.

ClinVar aggregate classification (germline): Uncertain significance. Review status: criteria provided, multiple submitters, no conflicts (2 of 4 stars). 2 submissions from 2 submitters: Uncertain significance (2). Last evaluated 2025-06-17.

Conditions:
Cardiovascular phenotype. Identifiers: MedGen CN230736.
Dilated cardiomyopathy 1JJ (CMD1JJ). Identifiers: Orphanet 154, MedGen C3808935, MONDO:0014095, OMIM 615235.

Allele frequency attached by ClinVar (database versions not stated): gnomAD exomes below 0.00001; ExAC 0.00001; gnomAD 0.00001; TOPMed 0.00006; ESP Exome Variant Server 0.00008.
gnomAD v4.1: 5 of 1,612,934 alleles (0.00031%); highest among the groups gnomAD compares: Middle Eastern, 0.016%; no homozygotes.

Submissions (2):

Ambry Genetics
Classification: Uncertain significance for Cardiovascular phenotype. Last evaluated: 2025-06-17. Review status: criteria provided, single submitter. Criteria: Ambry Variant Classification Scheme 2023. Collection method: clinical testing. Allele origin: germline.

Labcorp Genetics (formerly Invitae), Labcorp
Classification: Uncertain significance for Dilated cardiomyopathy 1JJ. Last evaluated: 2023-03-20. Review status: criteria provided, single submitter. Criteria: Invitae Variant Classification Sherloc (09022015). Collection method: clinical testing. Allele origin: germline.
Comment: ClinVar contains an entry for this variant (Variation ID: 1743228). In summary, the available evidence is currently insufficient to determine the role of this variant in disease. Therefore, it has been classified as a Variant of Uncertain Significance. An algorithm developed to predict the effect of missense changes on protein structure and function (PolyPhen-2) suggests that this variant is likely to be disruptive. This variant has not been reported in the literature in individuals affected with LAMA4-related conditions. This variant is present in population databases (rs371027685, gnomAD 0.002%). This sequence change replaces asparagine, which is neutral and polar, with lysine, which is basic and polar, at codon 1602 of the LAMA4 protein (p.Asn1602Lys).